The following is an entry in ClinVar:

ClinVar aggregate classification (germline): Pathogenic (1 of 4 stars; one submission).

Conditions:
Colorectal cancer, hereditary nonpolyposis, type 7. Identifiers: Orphanet 144, MedGen C1858380, MONDO:0013725, OMIM 614385.

Submission:

Myriad Genetics, Inc.
Classification: Pathogenic for Colorectal cancer, hereditary nonpolyposis, type 7. Last evaluated: 2026-09-02. Review status: criteria provided, single submitter. Criteria: Myriad Autosomal Dominant, Autosomal Recessive and X-Linked Classification Criteria (2023). Collection method: clinical testing. Allele origin: unknown.
Comment: This variant is considered pathogenic. This variant creates a frameshift predicted to result in premature protein truncation.

NM_001040108.2(MLH3):c.3254_3255del (p.Val1085fs)

Gene: MLH3 (mutL homolog 3; minus strand). Cytogenetic location: 14q24.3.
Variant type: Microsatellite.
Coding change: c.3254_3255del on transcript NM_001040108.2 (MANE Select); coding-DNA positions 3254 to 3255, 2 bases deleted (TG; older notation c.3254_3255delTG).
Protein change: p.Val1085fs; shifts the reading frame from valine 1085.
Molecular consequence: frameshift variant.
Genome position (GRCh38, 1-based): chr14:75,046,401-75,046,402, CA deleted on the plus strand (TG on the coding strand, the reverse complement: MLH3 is on the minus strand); deleting any 2 consecutive bases within chr14:75,046,401-75,046,404 gives the same sequence; the c. name uses the placement nearest the transcript's 3' end. VCF-style (leftmost placement, unchanged base first): chr14-75046400-CCA-C. GRCh37 (hg19) VCF-style: chr14-75513103-CCA-C.
Other names: c.3254_3255del, p.Val1085fs (NM_014381.3); short protein forms V1085fs.
Identifiers: ClinVar variation 5042274 (VCV005042274.1).